The following is an entry in ClinVar:

ClinVar aggregate classification (germline): Uncertain significance. Review status: criteria provided, multiple submitters, no conflicts (2 of 4 stars). 2 submissions from 2 submitters: Uncertain significance (2). Last evaluated 2026-02-04.

Conditions:
LRRC8A-related disorder. Also called: LRRC8A-related condition.

Submissions (2):

Labcorp Genetics (formerly Invitae), Labcorp
Classification: Uncertain significance. Last evaluated: 2026-02-04. Review status: criteria provided, single submitter. Criteria: Invitae Variant Classification Sherloc (09022015). Collection method: clinical testing. Allele origin: germline.
Comment: This sequence change replaces arginine, which is basic and polar, with glutamine, which is neutral and polar, at codon 218 of the LRRC8A protein (p.Arg218Gln). This variant is not present in population databases (gnomAD no frequency). This variant has not been reported in the literature in individuals affected with LRRC8A-related conditions. ClinVar contains an entry for this variant (Variation ID: 2628620). An algorithm developed to predict the effect of missense changes on protein structure and function (PolyPhen-2) suggests that this variant is likely to be tolerated. In summary, the available evidence is currently insufficient to determine the role of this variant in disease. Therefore, it has been classified as a Variant of Uncertain Significance.

PreventionGenetics, part of Exact Sciences
Classification: Uncertain significance for LRRC8A-related condition. Last evaluated: 2023-06-27. Review status: criteria provided, single submitter. Criteria: ACMG Guidelines, 2015. Collection method: clinical testing. Allele origin: germline.
Comment: The LRRC8A c.653G>A variant is predicted to result in the amino acid substitution p.Arg218Gln. To our knowledge, this variant has not been reported in the literature or in a large population database, indicating this variant is rare. At this time, the clinical significance of this variant is uncertain due to the absence of conclusive functional and genetic evidence.

NM_019594.4(LRRC8A):c.653G>A (p.Arg218Gln)

Gene: LRRC8A (leucine rich repeat containing 8 VRAC subunit A; plus strand). Cytogenetic location: 9q34.11.
Variant type: single nucleotide variant.
Coding change: c.653G>A on transcript NM_019594.4 (MANE Select); coding-DNA position 653, G replaced by A.
Protein change: p.Arg218Gln; replaces arginine 218 with glutamine.
Molecular consequence: missense variant.
Genome position (GRCh38, 1-based): chr9:128,907,817, G>A. VCF-style: chr9-128907817-G-A. GRCh37 (hg19) VCF-style: chr9-131670096-G-A.
Other names: c.653G>A, p.Arg218Gln (NM_001127244.2, NM_001127245.2); short protein forms R218Q.
Identifiers: ClinVar variation 2628620 (VCV002628620.2), dbSNP rs1297710361, ClinGen allele CA375077387.
Genomic context (GRCh38, chr9:128,907,817, plus strand): 5'-CATCGACCGTCAGTGAGGACGTGGAGGCCACCGTGCCCATGCTGCAGCGGACCAAGTCAC[G>A]GATCGAGCAGGGTATCGTGGACCGCTCAGAGACGGGCGTGCTGGACAAGAAGGAGGGGGA-3'
Protein context (NP_062540.2, residues 208-228): TVPMLQRTKS[Arg218Gln]IEQGIVDRSE